The following is an entry in ClinVar:

ClinVar aggregate classification (germline): Conflicting classifications of pathogenicity. Review status: criteria provided, conflicting classifications (1 of 4 stars). 6 submissions from 6 submitters: Uncertain significance (1); Benign (2); Likely benign (2). 1 of the submissions does not count toward it. Last evaluated 2026-01-06.

Conditions:
ASPM-related disorder. Also called: ASPM-related condition.
Microcephaly 5, primary, autosomal recessive (MCPH5). Also called: ASPM Primary Microcephaly. Identifiers: Orphanet 2512, MedGen C1837501, MONDO:0012106, OMIM 608716.

Allele frequency attached by ClinVar (database versions not stated): TOPMed 0.00082; gnomAD 0.00094 and 0.00066; 1000 Genomes Project 30x 0.00281; 1000 Genomes Project 0.00339.
gnomAD v4.1: 954 of 1,613,918 alleles (0.059%); highest among the groups gnomAD compares: East Asian, 1.8%; 10 homozygotes.

Submissions (6):

Labcorp Genetics (formerly Invitae), Labcorp
Classification: Benign. Last evaluated: 2026-01-06. Review status: criteria provided, single submitter. Criteria: Invitae Variant Classification Sherloc (09022015). Collection method: clinical testing. Allele origin: germline.

Illumina Laboratory Services, Illumina
Classification: Likely benign for Microcephaly 5, primary, autosomal recessive. Last evaluated: 2018-01-13. Review status: criteria provided, single submitter. Criteria: ICSL Variant Classification Criteria 13 December 2019. Collection method: clinical testing. Allele origin: germline.
Comment: This variant was observed in the ICSL laboratory as part of a predisposition screen in an ostensibly healthy population. It had not been previously curated by ICSL or reported in the Human Gene Mutation Database (HGMD: prior to June 1st, 2018), and was therefore a candidate for classification through an automated scoring system. Utilizing variant allele frequency, disease prevalence and penetrance estimates, and inheritance mode, an automated score was calculated to assess if this variant is too frequent to cause the disease. Based on the score and internal cut-off values, a variant classified as likely benign is not then subjected to further curation. The score for this variant resulted in a classification of likely benign for this disease.

GeneDx
Classification: Likely benign. Last evaluated: 2017-03-18. Review status: criteria provided, single submitter. Criteria: GeneDx Variant Classification (06012015). Collection method: clinical testing. Allele origin: germline. Affected: yes.
Comment: This variant is considered likely benign or benign based on one or more of the following criteria: it is a conservative change, it occurs at a poorly conserved position in the protein, it is predicted to be benign by multiple in silico algorithms, and/or has population frequency not consistent with disease.

Eurofins Ntd Llc (ga)
Classification: Benign. Last evaluated: 2015-08-06. Review status: criteria provided, single submitter. Criteria: EGL Classification Definitions 2015. Collection method: clinical testing. Allele origin: germline. Observed: 1 variant allele, 1 heterozygote.

Genetic Services Laboratory, University of Chicago
Classification: Uncertain significance for Microcephaly 5, primary, autosomal recessive. Last evaluated: 2013-02-27. Review status: criteria provided, single submitter. Criteria: ACMG Guidelines, 2007. Collection method: clinical testing. Allele origin: germline. Inheritance: Autosomal recessive inheritance.

PreventionGenetics, part of Exact Sciences
Classification: Benign for ASPM-related condition. Last evaluated: 2019-08-20. Review status: no assertion criteria provided. Collection method: clinical testing. Allele origin: germline. Not counted in ClinVar's aggregate classification.
Comment: This variant is classified as benign based on ACMG/AMP sequence variant interpretation guidelines (Richards et al. 2015 PMID: 25741868, with internal and published modifications).

NM_018136.5(ASPM):c.905G>A (p.Cys302Tyr)

Gene: ASPM (assembly factor for spindle microtubules; minus strand). Cytogenetic location: 1q31.3.
Variant type: single nucleotide variant.
Coding change: c.905G>A on transcript NM_018136.5 (MANE Select); coding-DNA position 905, G replaced by A.
Protein change: p.Cys302Tyr; replaces cysteine 302 with tyrosine.
Molecular consequence: missense variant.
Genome position (GRCh38, 1-based): chr1:197,143,347, C>T on the plus strand (G>A on the coding strand, the complement: ASPM is on the minus strand). VCF-style: chr1-197143347-C-T. GRCh37 (hg19) VCF-style: chr1-197112477-C-T.
Other names: c.905G>A, p.Cys302Tyr (NM_001206846.2); short protein forms C302Y.
Identifiers: ClinVar variation 157903 (VCV000157903.24), dbSNP rs77736715, ClinGen allele CA271138.
Genomic context (GRCh38, chr1:197,143,347, plus strand): 5'-ACAAAAGAATCTGGACTTAGAAAATGTATTTGGCTTTGTGTAATGTTCAAAGTTGAAGAA[C>T]AGTTGGGGGTAAGACTAAGTTTACTATTCTCTCCTCTTTGGCCATTAACATTTACGGAAT-3'
Protein context (NP_060606.3, residues 292-312): ENSKLSLTPN[Cys302Tyr]SSTLNITQSQ